The following is an entry in ClinVar:

NM_001018113.3(FANCB):c.898G>T (p.Val300Phe)

Gene: FANCB (FA complementation group B; minus strand). Cytogenetic location: Xp22.2.
Variant type: single nucleotide variant.
Coding change: c.898G>T on transcript NM_001018113.3 (MANE Select); coding-DNA position 898, G replaced by T.
Protein change: p.Val300Phe; replaces valine 300 with phenylalanine.
Molecular consequence: missense variant.
Genome position (GRCh38, 1-based): chrX:14,864,613, C>A on the plus strand (G>T on the coding strand, the complement: FANCB is on the minus strand). VCF-style: chrX-14864613-C-A. GRCh37 (hg19) VCF-style: chrX-14882735-C-A.
Other names: c.898G>T, p.Val300Phe (NM_001324162.2, NM_152633.4); short protein forms V300F.
Identifiers: ClinVar variation 647502 (VCV000647502.11), dbSNP rs757610875, ClinGen allele CA412443459.

ClinVar aggregate classification (germline): Uncertain significance. Review status: criteria provided, multiple submitters, no conflicts (2 of 4 stars). 2 submissions from 2 submitters: Uncertain significance (2). Last evaluated 2025-06-30.

Conditions:
Fanconi anemia (FA). Also called: Fanconi's anemia. Identifiers: Orphanet 84, MedGen C0015625, MeSH D005199, MONDO:0019391.
Fanconi anemia complementation group B (FANCB). Also called: FANCB-Related Fanconi Anemia; FANCONI PANCYTOPENIA, TYPE 2. Identifiers: Orphanet 84, MedGen C1845292, MONDO:0010351, OMIM 300514.
VACTERL association, X-linked, with or without hydrocephalus (VACTERLX). Also called: VACTERL-H, X-LINKED; VACTERL Association with Hydrocephalus, X-linked; X-linked VACTERL-H syndrome; VACTERL ASSOCIATION, X-LINKED. Identifiers: Orphanet 3412, MedGen C2931228, MONDO:0010752, OMIM 314390.

Allele frequency attached by ClinVar (database versions not stated): gnomAD 0.00001.
gnomAD v4.1: 2 of 1,206,691 alleles (0.00017%); highest among the groups gnomAD compares: Admixed American, 0.0044%; no homozygotes.

Submissions (2):

Labcorp Genetics (formerly Invitae), Labcorp
Classification: Uncertain significance for Fanconi anemia. Last evaluated: 2025-06-30. Review status: criteria provided, single submitter. Criteria: Invitae Variant Classification Sherloc (09022015). Collection method: clinical testing. Allele origin: germline.
Comment: This sequence change replaces valine, which is neutral and non-polar, with phenylalanine, which is neutral and non-polar, at codon 300 of the FANCB protein (p.Val300Phe). This variant is present in population databases (no rsID available, gnomAD 0.004%). This variant has not been reported in the literature in individuals affected with FANCB-related conditions. ClinVar contains an entry for this variant (Variation ID: 647502). Invitae Evidence Modeling of protein sequence and biophysical properties (such as structural, functional, and spatial information, amino acid conservation, physicochemical variation, residue mobility, and thermodynamic stability) indicates that this missense variant is not expected to disrupt FANCB protein function with a negative predictive value of 80%. In summary, the available evidence is currently insufficient to determine the role of this variant in disease. Therefore, it has been classified as a Variant of Uncertain Significance.

Fulgent Genetics
Classification: Uncertain significance for Fanconi anemia complementation group B; VACTERL association, X-linked, with or without hydrocephalus. Last evaluated: 2022-03-01. Review status: criteria provided, single submitter. Criteria: ACMG Guidelines, 2015. Collection method: clinical testing. Allele origin: unknown.